The following is an entry in ClinVar:

NR_001564.3(XIST):n.4119T>G

Gene: XIST (X inactive specific transcript; minus strand). Cytogenetic location: Xq13.2.
Variant type: single nucleotide variant.
Genome position: GRCh38 VCF-style: chrX-73848596-A-C. GRCh37 (hg19) VCF-style: chrX-73068431-A-C.
Identifiers: ClinVar variation 3038647 (VCV003038647.2), dbSNP rs73486576, ClinGen allele CA10453536.

ClinVar aggregate classification (germline): Benign (0 of 4 stars; one submission).

Conditions:
XIST-related disorder. Also called: XIST-related condition.

Allele frequency attached by ClinVar (database versions not stated): gnomAD exomes 0.00795; ExAC 0.01673; gnomAD 0.04406; ESP Exome Variant Server 0.04819; 1000 Genomes Project 0.05060; TOPMed 0.05089; 1000 Genomes Project 30x 0.05619.
gnomAD v4.1: 8,592 of 556,273 alleles (1.5%); highest among the groups gnomAD compares: African/African-American, 15%; 385 homozygotes.

Submission:

PreventionGenetics, part of Exact Sciences
Classification: Benign for XIST-related condition. Last evaluated: 2020-01-20. Review status: no assertion criteria provided. Collection method: clinical testing. Allele origin: germline.
Comment: This variant is classified as benign based on ACMG/AMP sequence variant interpretation guidelines (Richards et al. 2015 PMID: 25741868, with internal and published modifications).